The following is an entry in ClinVar:

NM_001145809.2(MYH14):c.5006A>G (p.Gln1669Arg)

Gene: MYH14 (myosin heavy chain 14; plus strand). Cytogenetic location: 19q13.33.
Variant type: single nucleotide variant.
Coding change: c.5006A>G on transcript NM_001145809.2 (MANE Select); coding-DNA position 5006, A replaced by G.
Protein change: p.Gln1669Arg; replaces glutamine 1669 with arginine.
Molecular consequence: missense variant.
Genome position (GRCh38, 1-based): chr19:50,290,927, A>G. VCF-style: chr19-50290927-A-G. GRCh37 (hg19) VCF-style: chr19-50794184-A-G.
Other names: c.4907A>G, p.Gln1636Arg (NM_001077186.2); c.4883A>G, p.Gln1628Arg (NM_024729.4); short protein forms Q1628R, Q1636R, Q1669R.
Identifiers: ClinVar variation 3901420 (VCV003901420.1).

ClinVar aggregate classification (germline): Uncertain significance (1 of 4 stars; one submission).

Submission:

GeneDx
Classification: Uncertain significance. Last evaluated: 2024-12-06. Review status: criteria provided, single submitter. Criteria: GeneDx Variant Classification Process June 2021. Collection method: clinical testing. Allele origin: germline. Affected: yes.
Comment: Not observed at significant frequency in large population cohorts (gnomAD); In silico analysis supports that this missense variant has a deleterious effect on protein structure/function; Has not been previously published as pathogenic or benign to our knowledge